The following is an entry in ClinVar:

NM_004284.6(CHD1L):c.1598T>C (p.Met533Thr)

Gene: CHD1L (chromodomain helicase DNA binding protein 1 like; plus strand). Cytogenetic location: 1q21.1.
Variant type: single nucleotide variant.
Coding change: c.1598T>C on transcript NM_004284.6 (MANE Select); coding-DNA position 1598, T replaced by C.
Protein change: p.Met533Thr; replaces methionine 533 with threonine.
Molecular consequence: missense variant. On other transcripts: non-coding transcript variant (15).
Genome position (GRCh38, 1-based): chr1:147,280,084, T>C. VCF-style: chr1-147280084-T-C. GRCh37 (hg19) VCF-style: chr1-146751757-T-C.
Other names: c.755T>C, p.Met252Thr (NM_001348458.2, NM_001348459.2, NM_001348460.2 and 9 more transcripts); c.1298T>C, p.Met433Thr (NM_001256336.3); c.986T>C, p.Met329Thr (NM_001256338.3); c.1382T>C, p.Met461Thr (NM_001348451.2, NM_001348452.2); c.1259T>C, p.Met420Thr (NM_001348453.2, NM_024568.4); c.1142T>C, p.Met381Thr (NM_001348454.2); c.1109T>C, p.Met370Thr (NM_001348455.2); short protein forms M252T, M381T, M420T, M433T, M461T, M533T, M329T, M370T.
Identifiers: ClinVar variation 738609 (VCV000738609.5), dbSNP rs373424057, ClinGen allele CA1063757.

ClinVar aggregate classification (germline): Likely benign. Review status: criteria provided, multiple submitters, no conflicts (2 of 4 stars). 2 submissions from 2 submitters: Likely benign (2). Last evaluated 2025-12-01.

Conditions:
CHD1L-related disorder. Also called: CHD1L-related condition.

Allele frequency attached by ClinVar (database versions not stated): gnomAD below 0.00001 and 0.00009; TOPMed 0.00003; gnomAD exomes 0.00020 and 0.00036; ExAC 0.00045; 1000 Genomes Project 30x 0.00047; 1000 Genomes Project 0.00060.
gnomAD v4.1: 315 of 1,614,092 alleles (0.02%); highest among the groups gnomAD compares: South Asian, 0.32%; 3 homozygotes.

Submissions (2):

PreventionGenetics, part of Exact Sciences
Classification: Likely benign for CHD1L-related condition. Last evaluated: 2025-12-01. Review status: criteria provided, single submitter. Criteria: ACMG Guidelines, 2015. Collection method: clinical testing. Allele origin: germline.
Comment: This variant is classified as likely benign based on ACMG/AMP sequence variant interpretation guidelines (Richards et al. 2015 PMID: 25741868, with internal and published modifications).

Labcorp Genetics (formerly Invitae), Labcorp
Classification: Likely benign. Last evaluated: 2019-12-31. Review status: criteria provided, single submitter. Criteria: Invitae Variant Classification Sherloc (09022015). Collection method: clinical testing. Allele origin: germline.